The following is an entry in ClinVar:

ClinVar aggregate classification (germline): Uncertain significance. Review status: criteria provided, multiple submitters, no conflicts (2 of 4 stars). 2 submissions from 2 submitters: Uncertain significance (2). Last evaluated 2023-03-01.

Conditions:
Inborn genetic diseases. Identifiers: MedGen C0950123, MeSH D030342.

Allele frequency attached by ClinVar (database versions not stated): gnomAD exomes 0.00003 and 0.00011; ExAC 0.00004; gnomAD 0.00004; TOPMed 0.00006.
gnomAD v4.1: 171 of 1,614,016 alleles (0.011%); highest among the groups gnomAD compares: Non-Finnish European, 0.014%; no homozygotes.

Submissions (2):

Ambry Genetics
Classification: Uncertain significance for Inborn genetic diseases. Last evaluated: 2023-03-01. Review status: criteria provided, single submitter. Criteria: Ambry Variant Classification Scheme 2023. Collection method: clinical testing. Allele origin: germline.

Labcorp Genetics (formerly Invitae), Labcorp
Classification: Uncertain significance. Last evaluated: 2021-08-31. Review status: criteria provided, single submitter. Criteria: Invitae Variant Classification Sherloc (09022015). Collection method: clinical testing. Allele origin: germline.
Comment: This sequence change replaces arginine with glutamine at codon 688 of the CKAP2L protein (p.Arg688Gln). The arginine residue is highly conserved and there is a small physicochemical difference between arginine and glutamine. This variant is present in population databases (rs750251080, ExAC 0.007%). This variant has not been reported in the literature in individuals affected with CKAP2L-related conditions. Algorithms developed to predict the effect of missense changes on protein structure and function are either unavailable or do not agree on the potential impact of this missense change (SIFT: "Deleterious"; PolyPhen-2: "Probably Damaging"; Align-GVGD: "Class C0"). Algorithms developed to predict the effect of sequence changes on RNA splicing suggest that this variant may create or strengthen a splice site. In summary, the available evidence is currently insufficient to determine the role of this variant in disease. Therefore, it has been classified as a Variant of Uncertain Significance.

NM_152515.5(CKAP2L):c.2063G>A (p.Arg688Gln)

Genes: CKAP2L (cytoskeleton associated protein 2 like; minus strand), NT5DC4 (5'-nucleotidase domain containing 4; plus strand). Cytogenetic location: 2q14.1.
Variant type: single nucleotide variant.
Coding change: c.2063G>A on transcript NM_152515.5 (MANE Select); coding-DNA position 2063, G replaced by A.
Protein change: p.Arg688Gln; replaces arginine 688 with glutamine.
Molecular consequence: missense variant. On other transcripts: non-coding transcript variant (1), 3 prime UTR variant (1), intron variant (1).
Genome position (GRCh38, 1-based): chr2:112,738,998, C>T on the plus strand (G>A on the coding strand, the complement: CKAP2L is on the minus strand). VCF-style: chr2-112738998-C-T. GRCh37 (hg19) VCF-style: chr2-113496575-C-T.
Other names: c.*62C>T (NM_001393655.1); c.1249-3414C>T (NM_001350494.2); c.1568G>A, p.Arg523Gln (NM_001304361.2); short protein forms R523Q, R688Q.
Identifiers: ClinVar variation 1404097 (VCV001404097.6), dbSNP rs750251080, ClinGen allele CA1836474.
Genomic context (GRCh38, chr2:112,738,998, plus strand): 5'-TCGTGTTCCTGCAGCATTTCTGGGTAGCGGGACACTGCTCGCTCAATCCTCGACGAACGC[C>T]GTACAGGAGTGATAAATTTCATGTCTTGCACTTCCGGCATCCCATTTATTCTGAGAGACA-3'
Protein context (NP_689728.3, residues 678-698): VQDMKFITPV[Arg688Gln]RSSRIERAVS